The following is an entry in ClinVar:

NM_005219.5(DIAPH1):c.2401G>C (p.Val801Leu)

Gene: DIAPH1 (diaphanous related formin 1; minus strand). Cytogenetic location: 5q31.3.
Variant type: single nucleotide variant.
Coding change: c.2401G>C on transcript NM_005219.5 (MANE Select); coding-DNA position 2401, G replaced by C.
Protein change: p.Val801Leu; replaces valine 801 with leucine.
Molecular consequence: missense variant.
Genome position (GRCh38, 1-based): chr5:141,571,998, C>G on the plus strand (G>C on the coding strand, the complement: DIAPH1 is on the minus strand). VCF-style: chr5-141571998-C-G. GRCh37 (hg19) VCF-style: chr5-140951565-C-G.
Other names: c.2374G>C, p.Val792Leu (NM_001079812.3); c.2401G>C, p.Val801Leu (NM_001314007.2); short protein forms V792L, V801L.
Identifiers: ClinVar variation 835713 (VCV000835713.10), dbSNP rs1371798081, ClinGen allele CA361513448.
Genomic context (GRCh38, chr5:141,571,998, plus strand): 5'-CAGAGAAGGTAAGGGTAAGTTTGGCGAAAAGTTCATTGTTCTCAAAGCGGTCCTCCTTCA[C>G]CTTTGTCCAGAAGCAGTCCTGGGAGAGGTCCTCAGCCACAAGCTGTGGATAAAGGCAGGG-3'
Protein context (NP_005210.3, residues 791-811): DLSQDCFWTK[Val801Leu]KEDRFENNEL

ClinVar aggregate classification (germline): Uncertain significance (1 of 4 stars; one submission).

Conditions:
Progressive microcephaly-seizures-cortical blindness-developmental delay syndrome. Also called: Seizures, cortical blindness, and microcephaly syndrome. Identifiers: Orphanet 477814, MedGen C5567650, MONDO:0014714, OMIM 616632.
Autosomal dominant nonsyndromic hearing loss 1. Also called: KONIGSMARK SYNDROME; DEAFNESS, AUTOSOMAL DOMINANT 1, WITH OR WITHOUT THROMBOCYTOPENIA. Identifiers: Orphanet 90635, MedGen C1852282, MONDO:0007424, OMIM 124900.

Submission:

Labcorp Genetics (formerly Invitae), Labcorp
Classification: Uncertain significance for Progressive microcephaly-seizures-cortical blindness-developmental delay syndrome; Autosomal dominant nonsyndromic hearing loss 1. Last evaluated: 2022-09-01. Review status: criteria provided, single submitter. Criteria: Invitae Variant Classification Sherloc (09022015). Collection method: clinical testing. Allele origin: germline.
Comment: In summary, the available evidence is currently insufficient to determine the role of this variant in disease. Therefore, it has been classified as a Variant of Uncertain Significance. Algorithms developed to predict the effect of missense changes on protein structure and function (SIFT, PolyPhen-2, Align-GVGD) all suggest that this variant is likely to be tolerated. ClinVar contains an entry for this variant (Variation ID: 835713). This variant has not been reported in the literature in individuals affected with DIAPH1-related conditions. This variant is not present in population databases (gnomAD no frequency). This sequence change replaces valine, which is neutral and non-polar, with leucine, which is neutral and non-polar, at codon 801 of the DIAPH1 protein (p.Val801Leu).